The following is an entry in ClinVar:

ClinVar aggregate classification (germline): Uncertain significance (1 of 4 stars; one submission).

Conditions:
Hypertrophic cardiomyopathy 26. Also called: Cardiomyopathy, familial hypertrophic, 26. Identifiers: Orphanet 75249, MedGen C4310749, MONDO:0014883, OMIM 617047.
Myofibrillar myopathy 5. Also called: Filaminopathy (type); FILAMINOPATHY, AUTOSOMAL DOMINANT. Identifiers: Orphanet 171445, MedGen C1836050, MONDO:0012289, OMIM 609524.
Distal myopathy with posterior leg and anterior hand involvement. Also called: WILLIAMS DISTAL MYOPATHY. Identifiers: Orphanet 63273, MedGen C3279722, MONDO:0013550, OMIM 614065.

Submission:

Labcorp Genetics (formerly Invitae), Labcorp
Classification: Uncertain significance for Distal myopathy with posterior leg and anterior hand involvement; Myofibrillar myopathy 5; Hypertrophic cardiomyopathy 26. Last evaluated: 2023-07-16. Review status: criteria provided, single submitter. Criteria: Invitae Variant Classification Sherloc (09022015). Collection method: clinical testing. Allele origin: germline.
Comment: This variant has not been reported in the literature in individuals affected with FLNC-related conditions. This variant is not present in population databases (gnomAD no frequency). This sequence change replaces histidine, which is basic and polar, with tyrosine, which is neutral and polar, at codon 2286 of the FLNC protein (p.His2286Tyr). Advanced modeling of protein sequence and biophysical properties (such as structural, functional, and spatial information, amino acid conservation, physicochemical variation, residue mobility, and thermodynamic stability) performed at Invitae indicates that this missense variant is not expected to disrupt FLNC protein function. In summary, the available evidence is currently insufficient to determine the role of this variant in disease. Therefore, it has been classified as a Variant of Uncertain Significance.

NM_001458.5(FLNC):c.6856C>T (p.His2286Tyr)

Genes: FLNC-AS1 (FLNC antisense RNA 1; minus strand), FLNC (filamin C; plus strand). Cytogenetic location: 7q32.1.
Variant type: single nucleotide variant.
Coding change: c.6856C>T on transcript NM_001458.5 (MANE Select); coding-DNA position 6856, C replaced by T.
Protein change: p.His2286Tyr; replaces histidine 2286 with tyrosine.
Molecular consequence: missense variant.
Genome position (GRCh38, 1-based): chr7:128,854,541, C>T. VCF-style: chr7-128854541-C-T. GRCh37 (hg19) VCF-style: chr7-128494595-C-T.
Other names: c.6757C>T, p.His2253Tyr (NM_001127487.2); short protein forms H2253Y, H2286Y.
Identifiers: ClinVar variation 2947458 (VCV002947458.3), dbSNP rs1389797918, ClinGen allele CA369213945.